The following is an entry in ClinVar:

NM_001122769.3(LCA5):c.595A>G (p.Thr199Ala)

Gene: LCA5 (lebercilin LCA5; minus strand). Cytogenetic location: 6q14.1.
Variant type: single nucleotide variant.
Coding change: c.595A>G on transcript NM_001122769.3 (MANE Select); coding-DNA position 595, A replaced by G.
Protein change: p.Thr199Ala; replaces threonine 199 with alanine.
Molecular consequence: missense variant.
Genome position (GRCh38, 1-based): chr6:79,513,337, T>C on the plus strand (A>G on the coding strand, the complement: LCA5 is on the minus strand). VCF-style: chr6-79513337-T-C. GRCh37 (hg19) VCF-style: chr6-80223054-T-C.
Other names: c.595A>G, p.Thr199Ala (NM_181714.4); short protein forms T199A.
Identifiers: ClinVar variation 834229 (VCV000834229.5), dbSNP rs775866690, ClinGen allele CA3901091.

ClinVar aggregate classification (germline): Uncertain significance. Review status: criteria provided, multiple submitters, no conflicts (2 of 4 stars). 3 submissions from 3 submitters: Uncertain significance (2). 1 of the submissions does not count toward it. Last evaluated 2024-11-05.

Conditions:
Leber congenital amaurosis (LCA). Also called: Leber's amaurosis. Identifiers: Orphanet 65, MedGen C0339527, MeSH D057130, MONDO:0018998.
Inborn genetic diseases. Identifiers: MedGen C0950123, MeSH D030342.

Allele frequency attached by ClinVar (database versions not stated): TOPMed 0.00003; gnomAD 0.00004 and 0.00005.
gnomAD v4.1: 36 of 1,613,938 alleles (0.0022%); highest among the groups gnomAD compares: Admixed American, 0.058%; no homozygotes.

Submissions (3):

Labcorp Genetics (formerly Invitae), Labcorp
Classification: Uncertain significance. Last evaluated: 2024-11-05. Review status: criteria provided, single submitter. Criteria: Invitae Variant Classification Sherloc (09022015). Collection method: clinical testing. Allele origin: germline.
Comment: This sequence change replaces threonine, which is neutral and polar, with alanine, which is neutral and non-polar, at codon 199 of the LCA5 protein (p.Thr199Ala). This variant is present in population databases (rs775866690, gnomAD 0.07%). This variant has not been reported in the literature in individuals affected with LCA5-related conditions. ClinVar contains an entry for this variant (Variation ID: 834229). Invitae Evidence Modeling of protein sequence and biophysical properties (such as structural, functional, and spatial information, amino acid conservation, physicochemical variation, residue mobility, and thermodynamic stability) has been performed for this missense variant. However, the output from this modeling did not meet the statistical confidence thresholds required to predict the impact of this variant on LCA5 protein function. In summary, the available evidence is currently insufficient to determine the role of this variant in disease. Therefore, it has been classified as a Variant of Uncertain Significance.

Ambry Genetics
Classification: Uncertain significance for Inborn genetic diseases. Last evaluated: 2022-01-26. Review status: criteria provided, single submitter. Criteria: Ambry Variant Classification Scheme 2023. Collection method: clinical testing. Allele origin: germline.

Natera, Inc.
Classification: Uncertain significance for Leber congenital amaurosis. Last evaluated: 2020-03-10. Review status: no assertion criteria provided. Collection method: clinical testing. Allele origin: germline. Not counted in ClinVar's aggregate classification.